The following is an entry in ClinVar:

ClinVar aggregate classification (germline): Uncertain significance (1 of 4 stars; one submission).

Conditions:
Severe myoclonic epilepsy in infancy (DRVT). Also called: Epileptic encephalopathy, early infantile, 6 (Dravet syndrome); SEVERE MYOCLONIC EPILEPSY OF INFANCY; DEVELOPMENTAL AND EPILEPTIC ENCEPHALOPATHY 6A; Dravet syndrome; Severe Myoclonic Epilepsy in Infancy (SMEI). Identifiers: Orphanet 33069, MedGen C0751122, MONDO:0100135, OMIM 607208.

Submission:

Labcorp Genetics (formerly Invitae), Labcorp
Classification: Uncertain significance for Severe myoclonic epilepsy in infancy. Last evaluated: 2023-10-03. Review status: criteria provided, single submitter. Criteria: Invitae Variant Classification Sherloc (09022015). Collection method: clinical testing. Allele origin: germline.
Comment: This sequence change replaces arginine, which is basic and polar, with serine, which is neutral and polar, at codon 100 of the SNX27 protein (p.Arg100Ser). This variant is not present in population databases (gnomAD no frequency). This variant has not been reported in the literature in individuals affected with SNX27-related conditions. ClinVar contains an entry for this variant (Variation ID: 1472117). An algorithm developed to predict the effect of missense changes on protein structure and function (PolyPhen-2) suggests that this variant is likely to be disruptive. In summary, the available evidence is currently insufficient to determine the role of this variant in disease. Therefore, it has been classified as a Variant of Uncertain Significance.

NM_001330723.2(SNX27):c.298C>A (p.Arg100Ser)

Gene: SNX27 (sorting nexin 27; plus strand). Cytogenetic location: 1q21.3.
Variant type: single nucleotide variant.
Coding change: c.298C>A on transcript NM_001330723.2 (MANE Select); coding-DNA position 298, C replaced by A.
Protein change: p.Arg100Ser; replaces arginine 100 with serine.
Molecular consequence: missense variant.
Genome position (GRCh38, 1-based): chr1:151,612,499, C>A. VCF-style: chr1-151612499-C-A. GRCh37 (hg19) VCF-style: chr1-151584975-C-A.
Other names: c.298C>A, p.Arg100Ser (NM_030918.6); short protein forms R100S.
Identifiers: ClinVar variation 1472117 (VCV001472117.8), dbSNP rs2102579246, ClinGen allele CA341974715.